The following is an entry in ClinVar:

NM_000181.4(GUSB):c.561A>G (p.Gln187=)

Gene: GUSB (glucuronidase beta; minus strand). Cytogenetic location: 7q11.21.
Variant type: single nucleotide variant.
Coding change: c.561A>G on transcript NM_000181.4 (MANE Select); coding-DNA position 561, A replaced by G.
Protein change: p.Gln187=; no amino-acid change (glutamine 187 retained).
Molecular consequence: synonymous variant. On other transcripts: non-coding transcript variant (1), intron variant (3).
Genome position (GRCh38, 1-based): chr7:65,979,747, T>C on the plus strand (A>G on the coding strand, the complement: GUSB is on the minus strand). VCF-style: chr7-65979747-T-C. GRCh37 (hg19) VCF-style: chr7-65444734-T-C.
Other names: c.67+477A>G (NM_001293105.2); c.12-206A>G (NM_001293104.2); c.474+87A>G (NM_001284290.2).
Identifiers: ClinVar variation 558974 (VCV000558974.20), dbSNP rs74430256, ClinGen allele CA4276609.

ClinVar aggregate classification (germline): Benign. Review status: criteria provided, multiple submitters, no conflicts (2 of 4 stars). 4 submissions from 4 submitters: Benign (3). 1 of the submissions does not count toward it. Last evaluated 2026-01-31.

Conditions:
Mucopolysaccharidosis type 7 (MPS7). Also called: BETA-GLUCURONIDASE DEFICIENCY; SLY SYNDROME; GUSB DEFICIENCY; MPS VII. Identifiers: Orphanet 584, MedGen C0085132, MONDO:0009662, OMIM 253220.

Allele frequency attached by ClinVar (database versions not stated): gnomAD exomes 0.00070 and 0.00170; ExAC 0.00209; 1000 Genomes Project 0.00479; 1000 Genomes Project 30x 0.00515; gnomAD 0.00691 and 0.00755; TOPMed 0.00779; ESP Exome Variant Server 0.00907.

Submissions (4):

Labcorp Genetics (formerly Invitae), Labcorp
Classification: Benign for Mucopolysaccharidosis type 7. Last evaluated: 2026-01-31. Review status: criteria provided, single submitter. Criteria: Invitae Variant Classification Sherloc (09022015). Collection method: clinical testing. Allele origin: germline.

Illumina Laboratory Services, Illumina
Classification: Benign for Mucopolysaccharidosis type 7. Last evaluated: 2017-04-27. Review status: criteria provided, single submitter. Criteria: ICSL Variant Classification Criteria 13 December 2019. Collection method: clinical testing. Allele origin: germline.
Comment: This variant was observed as part of a predisposition screen in an ostensibly healthy population. A literature search was performed for the gene, cDNA change, and amino acid change (where applicable). Publications were found based on this search. The evidence from the literature, in combination with allele frequency data from public databases where available, was sufficient to rule this variant out of causing disease. Therefore, this variant is classified as benign.

Breakthrough Genomics
Classification: Benign. Review status: criteria provided, single submitter. Criteria: ACMG Guidelines, 2015. Collection method: not provided. Allele origin: germline. Inheritance: Autosomal recessive inheritance. Affected: yes.

Mayo Clinic Laboratories, Mayo Clinic
Classification: Benign. Last evaluated: 2017-06-28. Review status: no assertion criteria provided. Collection method: clinical testing. Allele origin: unknown. Not counted in ClinVar's aggregate classification.

Literature cited by the submitters: PubMed 24260279 (cited by Illumina Laboratory Services, Illumina).